The following is an entry in ClinVar:

ClinVar aggregate classification (germline): Uncertain significance. Review status: criteria provided, multiple submitters, no conflicts (2 of 4 stars). 2 submissions from 2 submitters: Uncertain significance (2). Last evaluated 2023-05-17.

Conditions:
Inborn genetic diseases. Identifiers: MedGen C0950123, MeSH D030342.

Allele frequency attached by ClinVar (database versions not stated): gnomAD 0.00001; ExAC 0.00020.
gnomAD v4.1: 10 of 1,558,320 alleles (0.00064%); highest among the groups gnomAD compares: South Asian, 0.0081%; no homozygotes.

Submissions (2):

Ambry Genetics
Classification: Uncertain significance for Inborn genetic diseases. Last evaluated: 2023-05-17. Review status: criteria provided, single submitter. Criteria: Ambry Variant Classification Scheme 2023. Collection method: clinical testing. Allele origin: germline.

Labcorp Genetics (formerly Invitae), Labcorp
Classification: Uncertain significance. Last evaluated: 2021-09-01. Review status: criteria provided, single submitter. Criteria: Invitae Variant Classification Sherloc (09022015). Collection method: clinical testing. Allele origin: germline.
Comment: This sequence change replaces threonine with alanine at codon 1737 of the OBSL1 protein (p.Thr1737Ala). The threonine residue is weakly conserved and there is a small physicochemical difference between threonine and alanine. This variant is present in population databases (rs772539285, ExAC 0.06%). This variant has not been reported in the literature in individuals affected with OBSL1-related conditions. Algorithms developed to predict the effect of missense changes on protein structure and function are either unavailable or do not agree on the potential impact of this missense change (SIFT: "Tolerated"; PolyPhen-2: "Probably Damaging"; Align-GVGD: "Class C0"). In summary, the available evidence is currently insufficient to determine the role of this variant in disease. Therefore, it has been classified as a Variant of Uncertain Significance.

NM_015311.3(OBSL1):c.5209A>G (p.Thr1737Ala)

Gene: OBSL1 (obscurin like cytoskeletal adaptor 1; minus strand). Cytogenetic location: 2q35.
Variant type: single nucleotide variant.
Coding change: c.5209A>G on transcript NM_015311.3 (MANE Select); coding-DNA position 5209, A replaced by G.
Protein change: p.Thr1737Ala; replaces threonine 1737 with alanine.
Molecular consequence: missense variant.
Genome position (GRCh38, 1-based): chr2:219,552,635, T>C on the plus strand (A>G on the coding strand, the complement: OBSL1 is on the minus strand). VCF-style: chr2-219552635-T-C. GRCh37 (hg19) VCF-style: chr2-220417357-T-C.
Other names: c.5209A>G (NM_015311.2); short protein forms T1737A.
Identifiers: ClinVar variation 1504452 (VCV001504452.8), dbSNP rs772539285, ClinGen allele CA2130322.
Genomic context (GRCh38, chr2:219,552,635, plus strand): 5'-GGCGGCCTCCGAGCTCCCAGCGCCCCGTGGTCTCGACCTCCGACACGGTGCACTCGAACG[T>C]AGCGCCGTCGCCTTCGCGGGCGCTCACCGACCGCAGCTCGGAGAGTACCGCCACAGTACG-3'
Protein context (NP_056126.1, residues 1727-1747): SVSAREGDGA[Thr1737Ala]FECTVSEVET